The following is an entry in ClinVar:

ClinVar aggregate classification (germline): Pathogenic (1 of 4 stars; one submission).

Conditions:
Ataxia-telangiectasia syndrome (AT). Also called: ATAXIA-TELANGIECTASIA, COMPLEMENTATION GROUP A; ATAXIA-TELANGIECTASIA, FRESNO VARIANT; Ataxia-telangiectasia; Ataxia-telangiectasia, complementation group E; Ataxia telangiectasia (A-T); LOUIS-BAR SYNDROME. Identifiers: Orphanet 100, MedGen C0004135, MONDO:0008840, OMIM 208900.

Submission:

Labcorp Genetics (formerly Invitae), Labcorp
Classification: Pathogenic for Ataxia-telangiectasia syndrome. Last evaluated: 2024-10-23. Review status: criteria provided, single submitter. Criteria: Invitae Variant Classification Sherloc (09022015). Collection method: clinical testing. Allele origin: germline.
Comment: This sequence change creates a premature translational stop signal (p.Asn1010Hisfs*37) in the ATM gene. It is expected to result in an absent or disrupted protein product. Loss-of-function variants in ATM are known to be pathogenic (PMID: 23807571, 25614872). This variant is not present in population databases (gnomAD no frequency). This premature translational stop signal has been observed in individual(s) with ATM-related conditions (PMID: 35719373). For these reasons, this variant has been classified as Pathogenic.

Literature cited by the submitters: PubMed 23807571; PubMed 25614872; PubMed 35719373.

NM_000051.4(ATM):c.3027_3028del (p.Asn1010fs)

Gene: ATM (ATM serine/threonine kinase; plus strand). Cytogenetic location: 11q22.3.
Variant type: Microsatellite.
Coding change: c.3027_3028del on transcript NM_000051.4 (MANE Select); coding-DNA positions 3027 to 3028, 2 bases deleted (GA; older notation c.3027_3028delGA).
Protein change: p.Asn1010fs; shifts the reading frame from asparagine 1010.
Molecular consequence: frameshift variant.
Genome position (GRCh38, 1-based): chr11:108,271,356-108,271,357, GA deleted; deleting any 2 consecutive bases within chr11:108,271,354-108,271,357 gives the same sequence; the c. name uses the placement nearest the transcript's 3' end. VCF-style (leftmost placement, unchanged base first): chr11-108271353-TGA-T. GRCh37 (hg19) VCF-style: chr11-108142080-TGA-T.
Other names: c.3027_3028del, p.Asn1010fs (NM_001351834.2); short protein forms N1010fs.
Identifiers: ClinVar variation 3723590 (VCV003723590.2).